The following is an entry in ClinVar:

NM_000038.6(APC):c.3968_3976delinsGTGC (p.Val1323fs)

Gene: APC (APC regulator of Wnt signaling pathway; plus strand). Cytogenetic location: 5q22.2.
Variant type: Indel.
Coding change: c.3968_3976delinsGTGC on transcript NM_000038.6 (MANE Select); coding-DNA positions 3968 to 3976, TTCCAGCAG replaced by GTGC.
Protein change: p.Val1323fs; shifts the reading frame from valine 1323.
Molecular consequence: frameshift variant. On other transcripts: non-coding transcript variant (2).
Genome position (GRCh38, 1-based): chr5:112,839,562-112,839,570, TTCCAGCAG replaced by GTGC. VCF-style: chr5-112839562-TTCCAGCAG-GTGC. GRCh37 (hg19) VCF-style: chr5-112175259-TTCCAGCAG-GTGC.
Other names: c.3947_3955delinsGTGC, p.Val1316fs (NM_001407451.1); c.3665_3673delinsGTGC, p.Val1222fs (NM_001407458.1, NM_001407459.1, NM_001407460.1 and 1 more transcripts); c.3719_3727delinsGTGC, p.Val1240fs (NM_001407457.1, NM_001407454.1, NM_001407455.1 and 1 more transcripts); c.3938_3946delinsGTGC, p.Val1313fs (NM_001407452.1); c.3791_3799delinsGTGC, p.Val1264fs (NM_001407453.1, NM_001354901.2); c.3581_3589delinsGTGC, p.Val1194fs (NM_001407467.1, NM_001407469.1); c.3119_3127delinsGTGC, p.Val1040fs (NM_001407470.1, NM_001354906.2); c.2816_2824delinsGTGC, p.Val939fs (NM_001407471.1, NM_001407472.1); and 11 more; short protein forms V1040fs, V1163fs, V1194fs, V1197fs, V1222fs, V1232fs, V1240fs, V1264fs.
Identifiers: ClinVar variation 3254402 (VCV003254402.1), dbSNP rs2533538257.

ClinVar aggregate classification (germline): Pathogenic (1 of 4 stars; one submission).

Conditions:
Familial adenomatous polyposis 1 (FAP1). Also called: FAMILIAL ADENOMATOUS POLYPOSIS 1, ATTENUATED; POLYPOSIS, ADENOMATOUS INTESTINAL. Identifiers: MedGen C2713442, MONDO:0021056, OMIM 175100. Disease mechanism: loss of function.

Submission:

Myriad Genetics, Inc.
Classification: Pathogenic for Familial adenomatous polyposis 1. Last evaluated: 2024-06-12. Review status: criteria provided, single submitter. Criteria: Myriad Autosomal Dominant, Autosomal Recessive and X-Linked Classification Criteria (2023). Collection method: clinical testing. Allele origin: unknown.
Comment: This variant is considered pathogenic. This variant creates a frameshift predicted to result in premature protein truncation.